The following is an entry in ClinVar:

NM_001145860.2(POP1):c.449G>A (p.Arg150His)

Gene: POP1 (POP1 homolog, ribonuclease P/MRP subunit; plus strand). Cytogenetic location: 8q22.2.
Variant type: single nucleotide variant.
Coding change: c.449G>A on transcript NM_001145860.2 (MANE Select); coding-DNA position 449, G replaced by A.
Protein change: p.Arg150His; replaces arginine 150 with histidine.
Molecular consequence: missense variant.
Genome position (GRCh38, 1-based): chr8:98,128,503, G>A. VCF-style: chr8-98128503-G-A. GRCh37 (hg19) VCF-style: chr8-99140731-G-A.
Other names: c.449G>A, p.Arg150His (NM_001145861.2, NM_015029.3); short protein forms R150H.
Identifiers: ClinVar variation 1698244 (VCV001698244.2), dbSNP rs747637737, ClinGen allele CA371788852.

ClinVar aggregate classification (germline): Uncertain significance (1 of 4 stars; one submission).

Submission:

GeneDx
Classification: Uncertain significance. Last evaluated: 2022-01-25. Review status: criteria provided, single submitter. Criteria: GeneDx Variant Classification Process June 2021. Collection method: clinical testing. Allele origin: germline. Affected: yes.
Comment: Not observed at significant frequency in large population cohorts (gnomAD); In silico analysis supports that this missense variant has a deleterious effect on protein structure/function; Has not been previously published as pathogenic or benign to our knowledge